The following is an entry in ClinVar:

NM_015164.4(PLEKHM2):c.815T>C (p.Phe272Ser)

Gene: PLEKHM2 (pleckstrin homology and RUN domain containing M2; plus strand). Cytogenetic location: 1p36.21.
Variant type: single nucleotide variant.
Coding change: c.815T>C on transcript NM_015164.4 (MANE Select); coding-DNA position 815, T replaced by C.
Protein change: p.Phe272Ser; replaces phenylalanine 272 with serine.
Molecular consequence: missense variant.
Genome position (GRCh38, 1-based): chr1:15,725,419, T>C. VCF-style: chr1-15725419-T-C. GRCh37 (hg19) VCF-style: chr1-16051914-T-C.
Other names: short protein forms F272S.
Identifiers: ClinVar variation 1064022 (VCV001064022.9), dbSNP rs918240859, ClinGen allele CA18297245.

ClinVar aggregate classification (germline): Uncertain significance (1 of 4 stars; one submission).

Allele frequency attached by ClinVar (database versions not stated): gnomAD exomes 0.00001; TOPMed 0.00005; gnomAD 0.00007 and 0.00008.

Submission:

Labcorp Genetics (formerly Invitae), Labcorp
Classification: Uncertain significance. Last evaluated: 2025-09-04. Review status: criteria provided, single submitter. Criteria: Invitae Variant Classification Sherloc (09022015). Collection method: clinical testing. Allele origin: germline.
Comment: This sequence change replaces phenylalanine, which is neutral and non-polar, with serine, which is neutral and polar, at codon 272 of the PLEKHM2 protein (p.Phe272Ser). This variant is not present in population databases (gnomAD no frequency). This variant has not been reported in the literature in individuals affected with PLEKHM2-related conditions. ClinVar contains an entry for this variant (Variation ID: 1064022). An algorithm developed to predict the effect of missense changes on protein structure and function (PolyPhen-2) suggests that this variant is likely to be disruptive. In summary, the available evidence is currently insufficient to determine the role of this variant in disease. Therefore, it has been classified as a Variant of Uncertain Significance.